The following is an entry in ClinVar:

ClinVar aggregate classification (germline): Uncertain significance (1 of 4 stars; one submission).

Allele frequency attached by ClinVar (database versions not stated): gnomAD exomes below 0.00001; TOPMed below 0.00001; gnomAD 0.00001.
gnomAD v4.1: 5 of 1,614,062 alleles (0.00031%); highest among the groups gnomAD compares: Admixed American, 0.005%; no homozygotes.

Submission:

Labcorp Genetics (formerly Invitae), Labcorp
Classification: Uncertain significance. Last evaluated: 2021-06-16. Review status: criteria provided, single submitter. Criteria: Invitae Variant Classification Sherloc (09022015). Collection method: clinical testing. Allele origin: germline.
Comment: This sequence change replaces threonine with proline at codon 267 of the ACBD5 protein (p.Thr267Pro). The threonine residue is weakly conserved and there is a small physicochemical difference between threonine and proline. This variant is not present in population databases (ExAC no frequency). This variant has not been reported in the literature in individuals with ACBD5-related conditions. Algorithms developed to predict the effect of missense changes on protein structure and function output the following: SIFT: "Tolerated"; PolyPhen-2: "Benign"; Align-GVGD: "Class C0". The proline amino acid residue is found in multiple mammalian species, suggesting that this missense change does not adversely affect protein function. These predictions have not been confirmed by published functional studies and their clinical significance is uncertain. In summary, the available evidence is currently insufficient to determine the role of this variant in disease. Therefore, it has been classified as a Variant of Uncertain Significance.

NM_145698.5(ACBD5):c.799A>C (p.Thr267Pro)

Gene: ACBD5 (acyl-CoA binding domain containing 5; minus strand). Cytogenetic location: 10p12.1.
Variant type: single nucleotide variant.
Coding change: c.799A>C on transcript NM_145698.5 (MANE Select); coding-DNA position 799, A replaced by C.
Protein change: p.Thr267Pro; replaces threonine 267 with proline.
Molecular consequence: missense variant. On other transcripts: intron variant (6).
Genome position (GRCh38, 1-based): chr10:27,218,010, T>G on the plus strand (A>C on the coding strand, the complement: ACBD5 is on the minus strand). VCF-style: chr10-27218010-T-G. GRCh37 (hg19) VCF-style: chr10-27506939-T-G.
Other names: c.694A>C, p.Thr232Pro (NM_001042473.4, NM_001352577.2, NM_001352578.2 and 1 more transcripts); c.793A>C, p.Thr265Pro (NM_001271512.3); c.472A>C, p.Thr158Pro (NM_001301251.2, NM_001301252.2, NM_001301253.2 and 2 more transcripts); c.853A>C, p.Thr285Pro (NM_001352568.1); c.832A>C, p.Thr278Pro (NM_001352569.1); c.799A>C, p.Thr267Pro (NM_001352570.1); c.826A>C, p.Thr276Pro (NM_001352571.1); c.820A>C, p.Thr274Pro (NM_001352572.1); and 10 more; short protein forms T169P, T265P, T276P, T214P, T232P, T243P, T278P, T158P.
Identifiers: ClinVar variation 1365344 (VCV001365344.8), dbSNP rs1231300174, ClinGen allele CA376375331.